The following is an entry in ClinVar:

NM_001376.5(DYNC1H1):c.10987A>G (p.Thr3663Ala)

Gene: DYNC1H1 (dynein cytoplasmic 1 heavy chain 1; plus strand). Cytogenetic location: 14q32.31.
Variant type: single nucleotide variant.
Coding change: c.10987A>G on transcript NM_001376.5 (MANE Select); coding-DNA position 10987, A replaced by G.
Protein change: p.Thr3663Ala; replaces threonine 3663 with alanine.
Molecular consequence: missense variant.
Genome position (GRCh38, 1-based): chr14:102,038,538, A>G. VCF-style: chr14-102038538-A-G. GRCh37 (hg19) VCF-style: chr14-102504875-A-G.
Other names: short protein forms T3663A.
Identifiers: ClinVar variation 854989 (VCV000854989.14), dbSNP rs200204286, ClinGen allele CA7353518.

ClinVar aggregate classification (germline): Conflicting classifications of pathogenicity. Review status: criteria provided, conflicting classifications (1 of 4 stars). 3 submissions from 3 submitters: Uncertain significance (2); Likely benign (1). Last evaluated 2026-09-03.

Conditions:
Inborn genetic diseases. Identifiers: MedGen C0950123, MeSH D030342.
Charcot-Marie-Tooth disease axonal type 2O. Also called: Charcot-Marie-Tooth disease, axonal, type 20; CHARCOT-MARIE-TOOTH NEUROPATHY, AXONAL, TYPE 2O; CHARCOT-MARIE-TOOTH DISEASE, AXONAL, AUTOSOMAL DOMINANT, TYPE 2O; Charcot-Marie-Tooth Neuropathy Type 2O. Identifiers: Orphanet 284232, MedGen C3280220, MONDO:0013644, OMIM 614228.
DYNC1H1-related disorder. Also called: DYNC1H1-related disorders; DYNC1H1-related condition. Identifiers: MedGen CN381529.

Allele frequency attached by ClinVar (database versions not stated): gnomAD exomes below 0.00001 and 0.00001; TOPMed 0.00005; 1000 Genomes Project 0.00020; gnomAD 0.00001 and 0.00003; ExAC 0.00002; 1000 Genomes Project 30x 0.00031.
gnomAD v4.1: 6 of 1,613,660 alleles (0.00037%); highest among the groups gnomAD compares: Admixed American, 0.0083%; no homozygotes.

Submissions (3):

PreventionGenetics, part of Exact Sciences
Classification: Uncertain significance for DYNC1H1-related condition. Last evaluated: 2026-09-03. Review status: criteria provided, single submitter. Criteria: ACMG Guidelines, 2015. Collection method: clinical testing. Allele origin: germline.
Comment: The DYNC1H1 c.10987A>G variant is predicted to result in the amino acid substitution p.Thr3663Ala. To our knowledge, this variant has not been reported in the literature. This variant is reported in 0.0029% of alleles in individuals of Latino descent in gnomAD. At this time, the clinical significance of this variant is uncertain due to the absence of conclusive functional and genetic evidence.

Ambry Genetics
Classification: Uncertain significance for Inborn genetic diseases. Last evaluated: 2026-06-17. Review status: criteria provided, single submitter. Criteria: Ambry Variant Classification Scheme 2023. Collection method: clinical testing. Allele origin: germline.
Comment: The c.10987A>G (p.T3663A) alteration is located in exon 58 (coding exon 58) of the DYNC1H1 gene. This alteration results from a A to G substitution at nucleotide position 10987, causing the threonine (T) at amino acid position 3663 to be replaced by an alanine (A). Based on data from gnomAD, the G allele has an overall frequency of 0.001% (2/251410) total alleles studied. The highest observed frequency was 0.016% (1/6132) of Other alleles. Based on insufficient or conflicting evidence, the clinical significance of this alteration remains unclear.

Labcorp Genetics (formerly Invitae), Labcorp
Classification: Likely benign for Charcot-Marie-Tooth disease axonal type 2O. Last evaluated: 2026-02-02. Review status: criteria provided, single submitter. Criteria: Invitae Variant Classification Sherloc (09022015). Collection method: clinical testing. Allele origin: germline.